The following is an entry in ClinVar:

NM_001288705.3(CSF1R):c.946G>C (p.Gly316Arg)

Gene: CSF1R (colony stimulating factor 1 receptor; minus strand). Cytogenetic location: 5q32.
Variant type: single nucleotide variant.
Coding change: c.946G>C on transcript NM_001288705.3 (MANE Select); coding-DNA position 946, G replaced by C.
Protein change: p.Gly316Arg; replaces glycine 316 with arginine.
Molecular consequence: missense variant. On other transcripts: non-coding transcript variant (2).
Genome position (GRCh38, 1-based): chr5:150,073,437, C>G on the plus strand (G>C on the coding strand, the complement: CSF1R is on the minus strand). VCF-style: chr5-150073437-C-G. GRCh37 (hg19) VCF-style: chr5-149453000-C-G.
Other names: c.946G>C, p.Gly316Arg (NM_001349736.2, NM_001375320.1, NM_005211.4); c.502G>C, p.Gly168Arg (NM_001375321.1); short protein forms G316R, G168R.
Identifiers: ClinVar variation 1436213 (VCV001436213.6), dbSNP rs760509901, ClinGen allele CA361724975.

ClinVar aggregate classification (germline): Uncertain significance (1 of 4 stars; one submission).

Submission:

Labcorp Genetics (formerly Invitae), Labcorp
Classification: Uncertain significance. Last evaluated: 2021-11-09. Review status: criteria provided, single submitter. Criteria: Invitae Variant Classification Sherloc (09022015). Collection method: clinical testing. Allele origin: germline.
Comment: This sequence change replaces glycine, which is neutral and non-polar, with arginine, which is basic and polar, at codon 316 of the CSF1R protein (p.Gly316Arg). This variant is not present in population databases (gnomAD no frequency). This variant has not been reported in the literature in individuals affected with CSF1R-related conditions. Advanced modeling of protein sequence and biophysical properties (such as structural, functional, and spatial information, amino acid conservation, physicochemical variation, residue mobility, and thermodynamic stability) performed at Invitae indicates that this missense variant is not expected to disrupt CSF1R protein function. In summary, the available evidence is currently insufficient to determine the role of this variant in disease. Therefore, it has been classified as a Variant of Uncertain Significance.